The following is an entry in ClinVar:

ClinVar aggregate classification (germline): Pathogenic (1 of 4 stars; one submission).

Conditions:
Spondyloepiphyseal dysplasia with congenital joint dislocations (SEDCJD). Also called: Chondrodysplasia with Congenital Joint Dislocations, CHST3-Related. Identifiers: Orphanet 263463, MedGen C1837657, MONDO:0007738, OMIM 143095.

Submission:

Labcorp Genetics (formerly Invitae), Labcorp
Classification: Pathogenic for Spondyloepiphyseal dysplasia with congenital joint dislocations. Last evaluated: 2025-02-18. Review status: criteria provided, single submitter. Criteria: Invitae Variant Classification Sherloc (09022015). Collection method: clinical testing. Allele origin: germline.
Comment: This sequence change creates a premature translational stop signal (p.Cys229Argfs*90) in the CHST3 gene. While this is not anticipated to result in nonsense mediated decay, it is expected to disrupt the last 251 amino acid(s) of the CHST3 protein. This variant is not present in population databases (gnomAD no frequency). This variant has not been reported in the literature in individuals affected with CHST3-related conditions. This variant disrupts a region of the CHST3 protein in which other variant(s) (p.Leu286Trpfs*48) have been determined to be pathogenic (PMID: 20830804, 32639237; internal data). This suggests that this is a clinically significant region of the protein, and that variants that disrupt it are likely to be disease-causing. For these reasons, this variant has been classified as Pathogenic.

Literature cited by the submitters: PubMed 20830804; PubMed 32639237.

NM_004273.5(CHST3):c.685_686del (p.Cys229fs)

Gene: CHST3 (carbohydrate sulfotransferase 3; plus strand). Cytogenetic location: 10q22.1.
Variant type: Microsatellite.
Coding change: c.685_686del on transcript NM_004273.5 (MANE Select); coding-DNA positions 685 to 686, 2 bases deleted (TG; older notation c.685_686delTG).
Protein change: p.Cys229fs; shifts the reading frame from cysteine 229.
Molecular consequence: frameshift variant.
Genome position (GRCh38, 1-based): chr10:72,007,716-72,007,717, TG deleted; deleting any 2 consecutive bases within chr10:72,007,714-72,007,717 gives the same sequence; the c. name uses the placement nearest the transcript's 3' end. VCF-style (leftmost placement, unchanged base first): chr10-72007713-CTG-C. GRCh37 (hg19) VCF-style: chr10-73767471-CTG-C.
Other names: short protein forms C229fs.
Identifiers: ClinVar variation 3676659 (VCV003676659.2).